The following is an entry in ClinVar:

ClinVar aggregate classification (germline): Uncertain significance (1 of 4 stars; one submission).

Conditions:
Hypertrophic cardiomyopathy. Also called: HYPERTROPHIC MYOCARDIOPATHY. Identifiers: Orphanet 217569, MedGen C0007194, MeSH D002312, MONDO:0005045, HP:0001639.

Submission:

Labcorp Genetics (formerly Invitae), Labcorp
Classification: Uncertain significance for Hypertrophic cardiomyopathy. Last evaluated: 2022-02-19. Review status: criteria provided, single submitter. Criteria: Invitae Variant Classification Sherloc (09022015). Collection method: clinical testing. Allele origin: germline.
Comment: This sequence change replaces phenylalanine, which is neutral and non-polar, with serine, which is neutral and polar, at codon 247 of the MYH7 protein (p.Phe247Ser). This variant is not present in population databases (gnomAD no frequency). This variant has not been reported in the literature in individuals affected with MYH7-related conditions. Algorithms developed to predict the effect of missense changes on protein structure and function are either unavailable or do not agree on the potential impact of this missense change (SIFT: "Deleterious"; PolyPhen-2: "Probably Damaging"; Align-GVGD: "Class C0"). This variant disrupts the p.Phe247 amino acid residue in MYH7. Other variant(s) that disrupt this residue have been determined to be pathogenic (Invitae). This suggests that this residue is clinically significant, and that variants that disrupt this residue are likely to be disease-causing. In summary, the available evidence is currently insufficient to determine the role of this variant in disease. Therefore, it has been classified as a Variant of Uncertain Significance.

NM_000257.4(MYH7):c.740T>C (p.Phe247Ser)

Gene: MYH7 (myosin heavy chain 7; minus strand). Cytogenetic location: 14q11.2.
Variant type: single nucleotide variant.
Coding change: c.740T>C on transcript NM_000257.4 (MANE Select); coding-DNA position 740, T replaced by C.
Protein change: p.Phe247Ser; replaces phenylalanine 247 with serine.
Molecular consequence: missense variant.
Genome position (GRCh38, 1-based): chr14:23,431,474, A>G on the plus strand (T>C on the coding strand, the complement: MYH7 is on the minus strand). VCF-style: chr14-23431474-A-G. GRCh37 (hg19) VCF-style: chr14-23900683-A-G.
Other names: c.740T>C, p.Phe247Ser (NM_001407004.1); short protein forms F247S.
Identifiers: ClinVar variation 2099154 (VCV002099154.4), dbSNP rs730880922, ClinGen allele CA389052143.
Genomic context (GRCh38, chr14:23,431,474, plus strand): 5'-TCACAGGTCTCTATGTCTGCAGATGCCAACTTTCCTGTTGCCCCAAAATGAATTCGAATG[A>G]ATTTCCCCTGGAGAGATGGAAGAGAGTGGTGATGAGTTGGGGGAAGGCTCATATCTGAGA-3'
Protein context (NP_000248.2, residues 237-257): RNDNSSRFGK[Phe247Ser]IRIHFGATGK